The following is an entry in ClinVar:

NM_022114.4(PRDM16):c.388-2A>G

Gene: PRDM16 (PR/SET domain 16; plus strand). Cytogenetic location: 1p36.32.
Variant type: single nucleotide variant.
Coding change: c.388-2A>G on transcript NM_022114.4 (MANE Select); the canonical splice acceptor site of the intron before coding-DNA position 388, A replaced by G.
Molecular consequence: splice acceptor variant.
Genome position (GRCh38, 1-based): chr1:3,244,085, A>G. VCF-style: chr1-3244085-A-G. GRCh37 (hg19) VCF-style: chr1-3160649-A-G.
Other names: c.388-2A>G (NM_199454.3).
Identifiers: ClinVar variation 2193186 (VCV002193186.5), dbSNP rs1244233661, ClinGen allele CA338216012.

ClinVar aggregate classification (germline): Uncertain significance. Review status: criteria provided, multiple submitters, no conflicts (2 of 4 stars). 2 submissions from 2 submitters: Uncertain significance (2). Last evaluated 2026-05-15.

Conditions:
Syncope. Also called: fainting. Identifiers: MedGen C0039070, HP:0001279.
Left ventricular noncompaction 8 (LVNC8). Identifiers: Orphanet 154, Orphanet 54260, MedGen C3809288, MONDO:0014152, OMIM 615373.

gnomAD v4.1: 3 of 1,613,982 alleles (0.00019%); highest among the groups gnomAD compares: Non-Finnish European, 0.00025%; no homozygotes.

Submissions (2):

Clinical Genetics Laboratory, Skane University Hospital Lund
Classification: Uncertain significance for Syncope. Last evaluated: 2026-05-15. Review status: criteria provided, single submitter. Criteria: ACMG Guidelines, 2015. Collection method: clinical testing. Allele origin: germline. Affected: yes.
Comment: ACMG criteria applied: PVS1_moderate, PM2.

Labcorp Genetics (formerly Invitae), Labcorp
Classification: Uncertain significance for Left ventricular noncompaction 8. Last evaluated: 2022-06-03. Review status: criteria provided, single submitter. Criteria: Invitae Variant Classification Sherloc (09022015). Collection method: clinical testing. Allele origin: germline.
Comment: In summary, the available evidence is currently insufficient to determine the role of this variant in disease. Therefore, it has been classified as a Variant of Uncertain Significance. Algorithms developed to predict the effect of sequence changes on RNA splicing suggest that this variant may disrupt the consensus splice site. This variant has not been reported in the literature in individuals affected with PRDM16-related conditions. This variant is not present in population databases (gnomAD no frequency). This sequence change affects an acceptor splice site in intron 2 of the PRDM16 gene. It is expected to disrupt RNA splicing. Variants that disrupt the donor or acceptor splice site typically lead to a loss of protein function (PMID: 16199547), however the current clinical and genetic evidence is not sufficient to establish whether loss-of-function variants in PRDM16 cause disease.

Literature cited by the submitters: PubMed 16199547 (cited by Labcorp Genetics (formerly Invitae), Labcorp).